The following is an entry in ClinVar:

NM_025074.7(FRAS1):c.5989_5990del (p.Leu1997fs)

Gene: FRAS1 (Fraser extracellular matrix complex subunit 1; plus strand). Cytogenetic location: 4q21.21.
Variant type: Deletion.
Coding change: c.5989_5990del on transcript NM_025074.7 (MANE Select); coding-DNA positions 5989 to 5990, 2 bases deleted (TT; older notation c.5989_5990delTT).
Protein change: p.Leu1997fs; shifts the reading frame from leucine 1997.
Molecular consequence: frameshift variant.
Genome position (GRCh38, 1-based): chr4:78,446,859-78,446,860, TT deleted. VCF-style (leftmost placement, unchanged base first): chr4-78446858-ATT-A. GRCh37 (hg19) VCF-style: chr4-79368012-ATT-A.
Other names: short protein forms L1997fs.
Identifiers: ClinVar variation 2968652 (VCV002968652.4), dbSNP rs1412653823, ClinGen allele CA552622990.

ClinVar aggregate classification (germline): Pathogenic/Likely pathogenic. Review status: criteria provided, multiple submitters, no conflicts (2 of 4 stars). 2 submissions from 2 submitters: Pathogenic (1); Likely pathogenic (1). Last evaluated 2026-01-11.

Conditions:
Fraser syndrome 1 (FRASRS1). Also called: CRYPTOPHTHALMOS WITH OTHER MALFORMATIONS. Identifiers: Orphanet 2052, MedGen C4551480, MONDO:0054737, OMIM 219000.

Allele frequency attached by ClinVar (database versions not stated): TOPMed below 0.00001.

Submissions (2):

Labcorp Genetics (formerly Invitae), Labcorp
Classification: Pathogenic. Last evaluated: 2026-01-11. Review status: criteria provided, single submitter. Criteria: Invitae Variant Classification Sherloc (09022015). Collection method: clinical testing. Allele origin: germline.
Comment: This sequence change creates a premature translational stop signal (p.Leu1997Aspfs*5) in the FRAS1 gene. It is expected to result in an absent or disrupted protein product. Loss-of-function variants in FRAS1 are known to be pathogenic (PMID: 12766769, 18671281). This variant is present in population databases (no rsID available, gnomAD 0.007%). This variant has not been reported in the literature in individuals affected with FRAS1-related conditions. ClinVar contains an entry for this variant (Variation ID: 2968652). Algorithms developed to predict the effect of sequence changes on RNA splicing suggest that this variant may disrupt the consensus splice site. For these reasons, this variant has been classified as Pathogenic.

Fulgent Genetics
Classification: Likely pathogenic for Fraser syndrome 1. Last evaluated: 2024-04-25. Review status: criteria provided, single submitter. Criteria: ACMG Guidelines, 2015. Collection method: clinical testing. Allele origin: germline.

Literature cited by the submitters: PubMed 12766769 (cited by Labcorp Genetics (formerly Invitae), Labcorp); PubMed 18671281 (cited by Labcorp Genetics (formerly Invitae), Labcorp).